The following continues an entry in ClinVar:

NM_005633.4(SOS1):c.1490G>A (p.Arg497Gln)

Gene: SOS1. ClinVar aggregate classification (germline): Likely benign. Likely benign (1).

Submissions 12 to 16 of 16:

Women's Health and Genetics/Laboratory Corporation of America, LabCorp
Classification: Likely benign. Last evaluated: 2020-07-08. Review status: criteria provided, single submitter. Criteria: LabCorp Variant Classification Summary - May 2015. Collection method: clinical testing. Allele origin: germline. Inheritance: Autosomal dominant inheritance. Not counted in ClinVar's aggregate classification.
Comment: Variant summary: SOS1 c.1490G>A (p.Arg497Gln) results in a conservative amino acid change located in the Pleckstrin homology domain of the encoded protein sequence. Four of five in-silico tools predict a damaging effect of the variant on protein function. The variant allele was found at a frequency of 5.6e-05 in 250470 control chromosomes. The observed variant frequency is approximately 2-fold of the estimated maximal expected allele frequency for a pathogenic variant in SOS1 causing Noonan Syndrome And Related Conditions phenotype (3e-05), strongly suggesting that the variant is benign. c.1490G>A has been reported in the literature in individuals affected with Noonan Syndrome and Related Conditions (e.g. Lepri_2011, Longoni_2010). In one family the variant was indicated to have been inherited from an unaffected parent (Lepri_2011). A similar inheritance from a carrier mother has been observed at-least once at our laboratory. In another family, the variant co-occurred in a patient with a de novo pathogenic RAF1 variant (c.781C>T, p.Pro261Ser). The patient's father and paternal grandfather also carried the variant of interest and authors indicated that the variant may have contributed to cutaneous anomalies that were observed in these family members (Longoni_2010). Another study (Rodriguez_2018) reported the variant in a patient affected with isolated cryptorchidism. Experimental evidence evaluating an impact on protein function demonstrated the variant does not induce Erk1 phosphorylation above the level of the wild type. Evaluating Rac1 pathway signal transduction, the authors determined the variant activates Jnk however, the implications of this finding in disease-manifestation are not conclusively established especially given that Jnk was not significantly activated under EGF stimulation in cells transfected with the known pathogenic p.M269R variant (Longoni_2010). Six ClinVar submitters (evaluation after 2014) cite the variant as uncertain significance. However, recently the ClinGen RASopathy Variant Curation Expert Panel settled on a classification of this variant as Likely Benign (personal communication, June 2020). Based on the evidence outlined above, the variant was re-classified as likely benign.

Illumina Laboratory Services, Illumina
Classification: Uncertain significance for Fibromatosis, gingival, 1. Last evaluated: 2017-04-28. Review status: criteria provided, single submitter. Criteria: ICSL Variant Classification Criteria 13 December 2019. Collection method: clinical testing. Allele origin: germline. Not counted in ClinVar's aggregate classification.

Illumina Laboratory Services, Illumina
Classification: Uncertain significance for Noonan syndrome 4. Last evaluated: 2017-04-28. Review status: criteria provided, single submitter. Criteria: ICSL Variant Classification Criteria 13 December 2019. Collection method: clinical testing. Allele origin: germline. Not counted in ClinVar's aggregate classification.
Comment: This variant was observed as part of a predisposition screen in an ostensibly healthy population. A literature search was performed for the gene, cDNA change, and amino acid change (where applicable). Publications were found based on this search. However, the evidence from the literature, in combination with allele frequency data from public databases where available, was not sufficient to rule this variant in or out of causing disease. Therefore, this variant is classified as a variant of unknown significance.

Laboratory for Molecular Medicine, Mass General Brigham Personalized Medicine
Classification: Uncertain significance. Last evaluated: 2014-10-01. Review status: criteria provided, single submitter. Criteria: LMM Criteria. Collection method: clinical testing. Allele origin: germline. Observed: 3 variant alleles. Not counted in ClinVar's aggregate classification.
Comment: proposed classification - variant undergoing re-assessment, contact laboratory

ARUP Laboratories, Molecular Genetics and Genomics, ARUP Laboratories
Classification: Uncertain significance for Noonan syndrome. Last evaluated: 2013-02-19. Review status: no assertion criteria provided. Collection method: clinical testing. Allele origin: germline. Affected: yes. Observed: 1 variant allele. Not counted in ClinVar's aggregate classification.

Literature cited by the submitters: PubMed 20683980 (cited by 6 submitters); PubMed 21387466 (cited by 4 submitters); PubMed 25712082 (cited by 3 submitters); PubMed 29752777 (cited by Women's Health and Genetics/Laboratory Corporation of America, LabCorp).